The following is an entry in ClinVar:

NM_000751.3(CHRND):c.1372G>A (p.Glu458Lys)

Gene: CHRND (cholinergic receptor nicotinic delta subunit; plus strand). Cytogenetic location: 2q37.1.
Variant type: single nucleotide variant.
Coding change: c.1372G>A on transcript NM_000751.3 (MANE Select); coding-DNA position 1372, G replaced by A.
Protein change: p.Glu458Lys; replaces glutamic acid 458 with lysine.
Molecular consequence: missense variant.
Genome position (GRCh38, 1-based): chr2:232,535,130, G>A. VCF-style: chr2-232535130-G-A. GRCh37 (hg19) VCF-style: chr2-233399840-G-A.
Other names: c.1372G>A (NM_000751.2, NM_000751.1); c.1327G>A, p.Glu443Lys (NM_001256657.2); c.790G>A, p.Glu264Lys (NM_001311195.2); c.1069G>A, p.Glu357Lys (NM_001311196.2); short protein forms E264K, E357K, E443K, E458K.
Identifiers: ClinVar variation 1005229 (VCV001005229.13), dbSNP rs140982683, ClinGen allele CA2168351.

ClinVar aggregate classification (germline): Uncertain significance. Review status: criteria provided, multiple submitters, no conflicts (2 of 4 stars). 3 submissions from 3 submitters: Uncertain significance (3). Last evaluated 2025-10-15.

Conditions:
Inborn genetic diseases. Identifiers: MedGen C0950123, MeSH D030342.
Lethal multiple pterygium syndrome (LMPS). Identifiers: Orphanet 33108, MedGen C1854678, MONDO:0009668, OMIM 253290.

Allele frequency attached by ClinVar (database versions not stated): gnomAD 0.00002; gnomAD exomes 0.00003 and 0.00007; TOPMed 0.00004; ESP Exome Variant Server 0.00008; ExAC 0.00002.
gnomAD v4.1: 108 of 1,613,934 alleles (0.0067%); highest among the groups gnomAD compares: Non-Finnish European, 0.0087%; no homozygotes.

Submissions (3):

Labcorp Genetics (formerly Invitae), Labcorp
Classification: Uncertain significance for Lethal multiple pterygium syndrome. Last evaluated: 2025-10-15. Review status: criteria provided, single submitter. Criteria: Invitae Variant Classification Sherloc (09022015). Collection method: clinical testing. Allele origin: germline.
Comment: This sequence change replaces glutamic acid, which is acidic and polar, with lysine, which is basic and polar, at codon 458 of the CHRND protein (p.Glu458Lys). This variant is present in population databases (rs140982683, gnomAD 0.004%). This variant has not been reported in the literature in individuals affected with CHRND-related conditions. ClinVar contains an entry for this variant (Variation ID: 1005229). Invitae Evidence Modeling of protein sequence and biophysical properties (such as structural, functional, and spatial information, amino acid conservation, physicochemical variation, residue mobility, and thermodynamic stability) has been performed for this missense variant. However, the output from this modeling did not meet the statistical confidence thresholds required to predict the impact of this variant on CHRND protein function. In summary, the available evidence is currently insufficient to determine the role of this variant in disease. Therefore, it has been classified as a Variant of Uncertain Significance.

Ambry Genetics
Classification: Uncertain significance for Inborn genetic diseases. Last evaluated: 2025-03-24. Review status: criteria provided, single submitter. Criteria: Ambry Variant Classification Scheme 2023. Collection method: clinical testing. Allele origin: germline.

Revvity Omics, Revvity
Classification: Uncertain significance. Last evaluated: 2019-12-16. Review status: criteria provided, single submitter. Criteria: ACMG Guidelines, 2015. Collection method: clinical testing. Allele origin: germline.